The following is an entry in ClinVar:

NM_000231.3(SGCG):c.796G>T (p.Val266Leu)

Gene: SGCG (sarcoglycan gamma; plus strand). Cytogenetic location: 13q12.12.
Variant type: single nucleotide variant.
Coding change: c.796G>T on transcript NM_000231.3 (MANE Select); coding-DNA position 796, G replaced by T.
Protein change: p.Val266Leu; replaces valine 266 with leucine.
Molecular consequence: missense variant.
Genome position (GRCh38, 1-based): chr13:23,324,461, G>T. VCF-style: chr13-23324461-G-T. GRCh37 (hg19) VCF-style: chr13-23898600-G-T.
Other names: c.850G>T, p.Val284Leu (NM_001378244.1); c.796G>T, p.Val266Leu (NM_001378245.1, NM_001378246.1); short protein forms V266L, V284L.
Identifiers: ClinVar variation 530806 (VCV000530806.9), dbSNP rs1555248300, ClinGen allele CA387503810.
Genomic context (GRCh38, chr13:23,324,461, plus strand): 5'-AAGCTGGTGCAGGGGACGTGGGGTCCCTCTGGCAGCTCACAGAGCCTCTACGAAATCTGT[G>T]TGTGTCCAGATGGGAAGCTGTACCTGTCTGTGGCCGGTGTGAGCACCACGTGCCAGGAGC-3'
Protein context (NP_000222.2, residues 256-276): GSSQSLYEIC[Val266Leu]CPDGKLYLSV

ClinVar aggregate classification (germline): Uncertain significance (1 of 4 stars; one submission).

Conditions:
Autosomal recessive limb-girdle muscular dystrophy type 2C (LGMDR5). Also called: MUSCULAR DYSTROPHY, DUCHENNE-LIKE; MUSCULAR DYSTROPHY, LIMB-GIRDLE, AUTOSOMAL RECESSIVE 5. Identifiers: Orphanet 353, MedGen C0410173, MONDO:0009677, OMIM 253700. Disease mechanism: Affects gamma-sarcoglycan and also disrupts the integrity of the entire sarcoglycan complex..

Allele frequency attached by ClinVar (database versions not stated): gnomAD exomes below 0.00001.
gnomAD v4.1: 2 of 1,614,080 alleles (0.00012%); highest among the groups gnomAD compares: African/African-American, 0.0027%; no homozygotes.

Submission:

Labcorp Genetics (formerly Invitae), Labcorp
Classification: Uncertain significance for Autosomal recessive limb-girdle muscular dystrophy type 2C. Last evaluated: 2024-10-17. Review status: criteria provided, single submitter. Criteria: Invitae Variant Classification Sherloc (09022015). Collection method: clinical testing. Allele origin: germline.
Comment: This sequence change replaces valine, which is neutral and non-polar, with leucine, which is neutral and non-polar, at codon 266 of the SGCG protein (p.Val266Leu). This variant is not present in population databases (gnomAD no frequency). This variant has not been reported in the literature in individuals affected with SGCG-related conditions. ClinVar contains an entry for this variant (Variation ID: 530806). Invitae Evidence Modeling of protein sequence and biophysical properties (such as structural, functional, and spatial information, amino acid conservation, physicochemical variation, residue mobility, and thermodynamic stability) indicates that this missense variant is not expected to disrupt SGCG protein function with a negative predictive value of 80%. Algorithms developed to predict the effect of sequence changes on RNA splicing suggest that this variant may disrupt the consensus splice site. In summary, the available evidence is currently insufficient to determine the role of this variant in disease. Therefore, it has been classified as a Variant of Uncertain Significance.